The following is an entry in ClinVar:

ClinVar aggregate classification (germline): Uncertain significance (1 of 4 stars; one submission).

Conditions:
Charcot-Marie-Tooth disease axonal type 2F (CMT2F). Also called: CHARCOT-MARIE-TOOTH DISEASE, NEURONAL, TYPE 2F; Charcot-Marie-Tooth Neuropathy Type 2F. Identifiers: Orphanet 99940, MedGen C1847823, MONDO:0011687, OMIM 606595.

Submission:

Labcorp Genetics (formerly Invitae), Labcorp
Classification: Uncertain significance for Charcot-Marie-Tooth disease axonal type 2F. Last evaluated: 2024-04-03. Review status: criteria provided, single submitter. Criteria: Invitae Variant Classification Sherloc (09022015). Collection method: clinical testing. Allele origin: germline.
Comment: This sequence change replaces serine, which is neutral and polar, with tyrosine, which is neutral and polar, at codon 154 of the HSPB1 protein (p.Ser154Tyr). This variant is not present in population databases (gnomAD no frequency). This variant has not been reported in the literature in individuals affected with HSPB1-related conditions. Advanced modeling of protein sequence and biophysical properties (such as structural, functional, and spatial information, amino acid conservation, physicochemical variation, residue mobility, and thermodynamic stability) performed at Invitae indicates that this missense variant is expected to disrupt HSPB1 protein function with a positive predictive value of 95%. In summary, the available evidence is currently insufficient to determine the role of this variant in disease. Therefore, it has been classified as a Variant of Uncertain Significance.

NM_001540.5(HSPB1):c.461C>A (p.Ser154Tyr)

Gene: HSPB1 (heat shock protein family B (small) member 1; plus strand). Cytogenetic location: 7q11.23.
Variant type: single nucleotide variant.
Coding change: c.461C>A on transcript NM_001540.5 (MANE Select); coding-DNA position 461, C replaced by A.
Protein change: p.Ser154Tyr; replaces serine 154 with tyrosine.
Molecular consequence: missense variant.
Genome position (GRCh38, 1-based): chr7:76,304,016, C>A. VCF-style: chr7-76304016-C-A. GRCh37 (hg19) VCF-style: chr7-75933333-C-A.
Other names: short protein forms S154Y.
Identifiers: ClinVar variation 3624483 (VCV003624483.2).